The following is an entry in ClinVar:

NM_004260.4(RECQL4):c.2068A>G (p.Thr690Ala)

Gene: RECQL4 (RecQ like helicase 4; minus strand). Cytogenetic location: 8q24.3.
Variant type: single nucleotide variant.
Coding change: c.2068A>G on transcript NM_004260.4 (MANE Select); coding-DNA position 2068, A replaced by G.
Protein change: p.Thr690Ala; replaces threonine 690 with alanine.
Molecular consequence: missense variant. On other transcripts: non-coding transcript variant (2).
Genome position (GRCh38, 1-based): chr8:144,513,703, T>C on the plus strand (A>G on the coding strand, the complement: RECQL4 is on the minus strand). VCF-style: chr8-144513703-T-C. GRCh37 (hg19) VCF-style: chr8-145739087-T-C.
Other names: c.1972A>G, p.Thr658Ala (NM_001413017.1, NM_001413020.1); c.2068A>G, p.Thr690Ala (NM_001413018.1, NM_001413019.1, NM_001413036.1); c.997A>G, p.Thr333Ala (NM_001413021.1, NM_001413022.1, NM_001413023.1 and 6 more transcripts); c.1939A>G, p.Thr647Ala (NM_001413025.1); c.931A>G, p.Thr311Ala (NM_001413027.1, NM_001413030.1, NM_001413032.1 and 1 more transcripts); c.1717A>G, p.Thr573Ala (NM_001413029.1); c.799A>G, p.Thr267Ala (NM_001413031.1); c.1936A>G, p.Thr646Ala (NM_001413033.1); and 4 more; short protein forms T201A, T289A, T267A, T311A, T333A, T573A, T646A, T647A.
Identifiers: ClinVar variation 3944254 (VCV003944254.1).

ClinVar aggregate classification (germline): Uncertain significance (1 of 4 stars; one submission).

Conditions:
Inborn genetic diseases. Identifiers: MedGen C0950123, MeSH D030342.

Submission:

Ambry Genetics
Classification: Uncertain significance for Inborn genetic diseases. Last evaluated: 2025-03-29. Review status: criteria provided, single submitter. Criteria: Ambry Variant Classification Scheme 2023. Collection method: clinical testing. Allele origin: germline.
Comment: The p.T690A variant (also known as c.2068A>G), located in coding exon 13 of the RECQL4 gene, results from an A to G substitution at nucleotide position 2068. The threonine at codon 690 is replaced by alanine, an amino acid with similar properties. This amino acid position is conserved. In addition, the in silico prediction for this alteration is inconclusive. Based on the available evidence, the clinical significance of this variant remains unclear.